The following is an entry in ClinVar:

ClinVar aggregate classification (germline): Uncertain significance (0 of 4 stars; one submission).

Conditions:
NRIP1-related disorder. Also called: NRIP1-related condition.

Allele frequency attached by ClinVar (database versions not stated): gnomAD exomes 0.00001.
gnomAD v4.1: 8 of 1,614,116 alleles (0.0005%); highest among the groups gnomAD compares: Middle Eastern, 0.13%; no homozygotes.

Submission:

PreventionGenetics, part of Exact Sciences
Classification: Uncertain significance for NRIP1-related condition. Last evaluated: 2023-11-11. Review status: no assertion criteria provided. Collection method: clinical testing. Allele origin: germline.
Comment: The NRIP1 c.425C>G variant is predicted to result in the amino acid substitution p.Ser142Cys. To our knowledge, this variant has not been reported in the literature. This variant is reported in 0.0% of alleles in individuals of African descent in gnomAD. At this time, the clinical significance of this variant is uncertain due to the absence of conclusive functional and genetic evidence.

NM_003489.4(NRIP1):c.425C>G (p.Ser142Cys)

Gene: NRIP1 (nuclear receptor interacting protein 1; minus strand). Cytogenetic location: 21q11.2.
Variant type: single nucleotide variant.
Coding change: c.425C>G on transcript NM_003489.4 (MANE Select); coding-DNA position 425, C replaced by G.
Protein change: p.Ser142Cys; replaces serine 142 with cysteine.
Molecular consequence: missense variant.
Genome position (GRCh38, 1-based): chr21:14,967,768, G>C on the plus strand (C>G on the coding strand, the complement: NRIP1 is on the minus strand). VCF-style: chr21-14967768-G-C. GRCh37 (hg19) VCF-style: chr21-16340089-G-C.
Other names: short protein forms S142C.
Identifiers: ClinVar variation 3049192 (VCV003049192.2), dbSNP rs1238958611, ClinGen allele CA409832331.